The following is an entry in ClinVar:

ClinVar aggregate classification (germline): Conflicting classifications of pathogenicity. Review status: criteria provided, conflicting classifications (1 of 4 stars). 8 submissions from 8 submitters: Uncertain significance (6); Likely benign (1). 1 of the submissions does not count toward it. Last evaluated 2026-01-05.

Conditions:
Cardiovascular phenotype. Identifiers: MedGen CN230736.
Long QT syndrome (LQTS). Identifiers: MedGen C0023976, MeSH D008133, MONDO:0002442. Disease mechanism: loss of function. Inheritance: Various modes of inheritance.
Cardiac arrhythmia. Also called: Cardiac rhythm disease; Arrhythmia. Identifiers: MedGen C0003811, MONDO:0007263, HP:0011675.
Long QT syndrome 2 (LQT2). Identifiers: Orphanet 101016, Orphanet 768, MedGen C3150943, MONDO:0013367, OMIM 613688.
Short QT syndrome type 1. Identifiers: Orphanet 51083, MedGen C1865020, MONDO:0012312, OMIM 609620.

Allele frequency attached by ClinVar (database versions not stated): gnomAD exomes 0.00005; ExAC 0.00006; gnomAD 0.00009 and 0.00010; TOPMed 0.00017; 1000 Genomes Project 30x 0.00031; 1000 Genomes Project 0.00040.
gnomAD v4.1: 43 of 1,612,664 alleles (0.0027%); highest among the groups gnomAD compares: African/African-American, 0.037%; no homozygotes.

Submissions (8):

Labcorp Genetics (formerly Invitae), Labcorp
Classification: Uncertain significance for Long QT syndrome. Last evaluated: 2026-01-05. Review status: criteria provided, single submitter. Criteria: Invitae Variant Classification Sherloc (09022015). Collection method: clinical testing. Allele origin: germline.
Comment: This sequence change replaces aspartic acid, which is acidic and polar, with asparagine, which is neutral and polar, at codon 982 of the KCNH2 protein (p.Asp982Asn). This variant is present in population databases (rs569452580, gnomAD 0.06%), and has an allele count higher than expected for a pathogenic variant. This missense change has been observed in individual(s) with clinical features of KCNH2-related conditions (PMID: 24631775). ClinVar contains an entry for this variant (Variation ID: 237299). An algorithm developed to predict the effect of missense changes on protein structure and function (PolyPhen-2) suggests that this variant is likely to be disruptive. In summary, the available evidence is currently insufficient to determine the role of this variant in disease. Therefore, it has been classified as a Variant of Uncertain Significance.

GeneDx
Classification: Uncertain significance. Last evaluated: 2024-10-03. Review status: criteria provided, single submitter. Criteria: GeneDx Variant Classification Process June 2021. Collection method: clinical testing. Allele origin: germline. Affected: yes.
Comment: Identified in one case of sudden unexplained death (SUD) in published literature (PMID: 24631775); In silico analysis indicates that this missense variant does not alter protein structure/function; This variant is associated with the following publications: (PMID: 26746457, 32048431, 24631775)

All of Us Research Program, National Institutes of Health
Classification: Uncertain significance for Long QT syndrome. Last evaluated: 2024-01-03. Review status: criteria provided, single submitter. Criteria: ACMG Guidelines, 2015. Collection method: clinical testing. Allele origin: germline. Inheritance: Autosomal dominant inheritance. Observed: 3 variant alleles, 3 heterozygotes.
Comment: This missense variant replaces aspartic acid with asparagine at codon 982 of the KCNH2 protein. Computational prediction tools indicate that this variant has a deleterious impact on protein structure and function. To our knowledge, functional studies have not been reported for this variant. This variant has been reported in an individual affected with sudden unexplained death (PMID: 24631775) and an individual suspected of being affected with epilepsy (PMID: 31696929). This variant has been identified in 17/276402 chromosomes in the general population by the Genome Aggregation Database (gnomAD). The available evidence is insufficient to determine the role of this variant in disease conclusively. Therefore, this variant is classified as a Variant of Uncertain Significance.

This study involves interpretation of variants in research participants for the purpose of population health screening. Participant phenotype was not available at the time of variant classification. Additional details can be found in publication PMID: 35346344, PMCID: PMC8962531

Color Diagnostics, LLC DBA Color Health
Classification: Uncertain significance for Cardiac arrhythmia. Last evaluated: 2023-12-07. Review status: criteria provided, single submitter. Criteria: ACMG Guidelines, 2015. Collection method: clinical testing. Allele origin: germline.
Comment: This missense variant replaces aspartic acid with asparagine at codon 982 of the KCNH2 protein. Computational prediction tools indicate that this variant has a deleterious impact on protein structure and function. To our knowledge, functional studies have not been reported for this variant. This variant has been reported in an individual affected with sudden unexplained death (PMID: 24631775) and an individual suspected of being affected with epilepsy (PMID: 31696929). This variant has been identified in 17/276402 chromosomes in the general population by the Genome Aggregation Database (gnomAD). The available evidence is insufficient to determine the role of this variant in disease conclusively. Therefore, this variant is classified as a Variant of Uncertain Significance.

Ambry Genetics
Classification: Likely benign for Cardiovascular phenotype. Last evaluated: 2023-10-29. Review status: criteria provided, single submitter. Criteria: Ambry Variant Classification Scheme 2023. Collection method: clinical testing. Allele origin: germline.

Fulgent Genetics
Classification: Uncertain significance for Short QT syndrome type 1; Long QT syndrome 2. Last evaluated: 2021-09-16. Review status: criteria provided, single submitter. Criteria: ACMG Guidelines, 2015. Collection method: clinical testing. Allele origin: unknown.

Mendelics
Classification: Uncertain significance for Long QT syndrome 2. Last evaluated: 2019-05-28. Review status: criteria provided, single submitter. Criteria: Mendelics Assertion Criteria 2017. Collection method: clinical testing. Allele origin: unknown.

Clinical Molecular Genetics Laboratory, Johns Hopkins All Children's Hospital
Classification: Uncertain significance for Long QT syndrome. Last evaluated: 2016-12-01. Review status: no assertion criteria provided. Collection method: clinical testing. Allele origin: germline. Affected: yes. Not counted in ClinVar's aggregate classification.

Literature cited by the submitters: PubMed 24631775 (cited by 4 submitters); PubMed 31696929 (cited by All of Us Research Program, National Institutes of Health and Color Diagnostics, LLC DBA Color Health); PubMed 26746457 (cited by Ambry Genetics); PubMed 32048431 (cited by Ambry Genetics).

NM_000238.4(KCNH2):c.2944G>A (p.Asp982Asn)

Gene: KCNH2 (potassium voltage-gated channel subfamily H member 2; minus strand). Cytogenetic location: 7q36.1.
Variant type: single nucleotide variant.
Coding change: c.2944G>A on transcript NM_000238.4 (MANE Select); coding-DNA position 2944, G replaced by A.
Protein change: p.Asp982Asn; replaces aspartic acid 982 with asparagine.
Molecular consequence: missense variant.
Genome position (GRCh38, 1-based): chr7:150,947,627, C>T on the plus strand (G>A on the coding strand, the complement: KCNH2 is on the minus strand). VCF-style: chr7-150947627-C-T. GRCh37 (hg19) VCF-style: chr7-150644715-C-T.
Other names: c.1924G>A, p.Asp642Asn (NM_172057.3); short protein forms D642N, D982N.
Identifiers: ClinVar variation 237299 (VCV000237299.24), dbSNP rs569452580, ClinGen allele CA035595.